The following is an entry in ClinVar:

ClinVar aggregate classification (germline): Likely benign (1 of 4 stars; one submission).

Conditions:
PHIP-related disorder. Also called: PHIP-related condition; PHIP-related disorders.

gnomAD v4.1: 53 of 1,562,932 alleles (0.0034%); highest among the groups gnomAD compares: Non-Finnish European, 0.0046%; no homozygotes.

Submission:

PreventionGenetics, part of Exact Sciences
Classification: Likely benign for PHIP-related condition. Last evaluated: 2024-12-23. Review status: criteria provided, single submitter. Criteria: ACMG Guidelines, 2015. Collection method: clinical testing. Allele origin: germline.
Comment: This variant is classified as likely benign based on ACMG/AMP sequence variant interpretation guidelines (Richards et al. 2015 PMID: 25741868, with internal and published modifications).

NM_017934.7(PHIP):c.3921A>G (p.Arg1307=)

Genes: IRAK1BP1 (interleukin 1 receptor associated kinase 1 binding protein 1; plus strand), PHIP (PHIP subunit of CUL4-Ring ligase complex; minus strand). Cytogenetic location: 6q14.1.
Variant type: single nucleotide variant.
Coding change: c.3921A>G on transcript NM_017934.7 (MANE Select); coding-DNA position 3921, A replaced by G.
Protein change: p.Arg1307=; no amino-acid change (arginine 1307 retained).
Molecular consequence: synonymous variant.
Genome position (GRCh38, 1-based): chr6:78,954,946, T>C on the plus strand (A>G on the coding strand, the complement: PHIP is on the minus strand). VCF-style: chr6-78954946-T-C. GRCh37 (hg19) VCF-style: chr6-79664663-T-C.
Identifiers: ClinVar variation 4977658 (VCV004977658.1).